The following is an entry in ClinVar:

NM_004656.4(BAP1):c.959G>A (p.Cys320Tyr)

Gene: BAP1 (BRCA1 associated deubiquitinase 1; minus strand). Cytogenetic location: 3p21.1.
Variant type: single nucleotide variant.
Coding change: c.959G>A on transcript NM_004656.4 (MANE Select); coding-DNA position 959, G replaced by A.
Protein change: p.Cys320Tyr; replaces cysteine 320 with tyrosine.
Molecular consequence: missense variant.
Genome position (GRCh38, 1-based): chr3:52,405,267, C>T on the plus strand (G>A on the coding strand, the complement: BAP1 is on the minus strand). VCF-style: chr3-52405267-C-T. GRCh37 (hg19) VCF-style: chr3-52439283-C-T.
Other names: short protein forms C320Y.
Identifiers: ClinVar variation 924000 (VCV000924000.11), dbSNP rs1705113756, ClinGen allele CA353106244.
Genomic context (GRCh38, chr3:52,405,267, plus strand): 5'-CCTGGAGGCTTCACCACTAGCTTGGGTTTGTTGGGAGGGCTGTGGGATGGGGCTTGTGCG[C>T]ATGAACCAGCCGCCTCCTCTGCACCATCTGAGACAGGGCAAGAACACAGGCAGGACCTCC-3'
Protein context (NP_004647.1, residues 310-330): TDGAEEAAGS[Cys320Tyr]AQAPSHSPPN

ClinVar aggregate classification (germline): Uncertain significance. Review status: criteria provided, multiple submitters, no conflicts (2 of 4 stars). 4 submissions from 4 submitters: Uncertain significance (4). Last evaluated 2024-10-31.

Conditions:
Hereditary cancer-predisposing syndrome. Also called: Tumor predisposition; Neoplastic Syndromes, Hereditary; Hereditary neoplastic syndrome; Hereditary Cancer Syndrome. Identifiers: Orphanet 140162, MedGen C0027672, MeSH D009386, MONDO:0015356.
BAP1-related tumor predisposition syndrome (TPDS1). Also called: COMMON Syndrome; TUMOR PREDISPOSITION SYNDROME 1; Tumor susceptibility linked to germline BAP1 mutations; BAP1 tumor predisposition syndrome. Identifiers: Orphanet 289539, MedGen C3280492, MONDO:0013692, OMIM 614327.

Submissions (4):

Labcorp Genetics (formerly Invitae), Labcorp
Classification: Uncertain significance for BAP1-related tumor predisposition syndrome. Last evaluated: 2024-10-31. Review status: criteria provided, single submitter. Criteria: Invitae Variant Classification Sherloc (09022015). Collection method: clinical testing. Allele origin: germline.
Comment: This sequence change replaces cysteine, which is neutral and slightly polar, with tyrosine, which is neutral and polar, at codon 320 of the BAP1 protein (p.Cys320Tyr). This variant is not present in population databases (gnomAD no frequency). This variant has not been reported in the literature in individuals affected with BAP1-related conditions. ClinVar contains an entry for this variant (Variation ID: 924000). Invitae Evidence Modeling of protein sequence and biophysical properties (such as structural, functional, and spatial information, amino acid conservation, physicochemical variation, residue mobility, and thermodynamic stability) indicates that this missense variant is not expected to disrupt BAP1 protein function with a negative predictive value of 80%. In summary, the available evidence is currently insufficient to determine the role of this variant in disease. Therefore, it has been classified as a Variant of Uncertain Significance.

Blueprint Genetics
Classification: Uncertain significance. Last evaluated: 2024-07-08. Review status: criteria provided, single submitter. Criteria: ACMG Guidelines, 2015. Collection method: clinical testing. Allele origin: germline.

Color Diagnostics, LLC DBA Color Health
Classification: Uncertain significance for Hereditary cancer-predisposing syndrome. Last evaluated: 2023-12-04. Review status: criteria provided, single submitter. Criteria: ACMG Guidelines, 2015. Collection method: clinical testing. Allele origin: germline.
Comment: This missense variant replaces cysteine with tyrosine at codon 320 of the BAP1 protein. Computational prediction suggests that this variant may not impact protein structure and function (internally defined REVEL score threshold <= 0.5, PMID: 27666373). To our knowledge, functional studies have not been reported for this variant. This variant has not been reported in individuals affected with BAP1-related disorders in the literature. This variant has not been identified in the general population by the Genome Aggregation Database (gnomAD). The available evidence is insufficient to determine the role of this variant in disease conclusively. Therefore, this variant is classified as a Variant of Uncertain Significance.

Ambry Genetics
Classification: Uncertain significance for Hereditary cancer-predisposing syndrome. Last evaluated: 2022-09-29. Review status: criteria provided, single submitter. Criteria: Ambry Variant Classification Scheme 2023. Collection method: clinical testing. Allele origin: germline.
Comment: The p.C320Y variant (also known as c.959G>A), located in coding exon 11 of the BAP1 gene, results from a G to A substitution at nucleotide position 959. The cysteine at codon 320 is replaced by tyrosine, an amino acid with highly dissimilar properties. This amino acid position is well conserved in available vertebrate species. In addition, this alteration is predicted to be tolerated by in silico analysis. Since supporting evidence is limited at this time, the clinical significance of this alteration remains unclear.